The following is an entry in ClinVar:

ClinVar aggregate classification (germline): Likely benign. Review status: criteria provided, multiple submitters, no conflicts (2 of 4 stars). 2 submissions from 2 submitters: Likely benign (2). Last evaluated 2025-09-29.

Conditions:
GUSB-related disorder. Also called: GUSB-related condition.
Mucopolysaccharidosis type 7 (MPS7). Also called: BETA-GLUCURONIDASE DEFICIENCY; GUSB DEFICIENCY; MPS VII; SLY SYNDROME. Identifiers: Orphanet 584, MedGen C0085132, MONDO:0009662, OMIM 253220.

Allele frequency attached by ClinVar (database versions not stated): gnomAD 0.00014 and 0.00013; 1000 Genomes Project 30x 0.00016; 1000 Genomes Project 0.00020; gnomAD exomes 0.00001; ExAC 0.00003; ESP Exome Variant Server 0.00008; TOPMed 0.00012.
gnomAD v4.1: 33 of 1,613,518 alleles (0.002%); highest among the groups gnomAD compares: African/African-American, 0.036%; no homozygotes.

Submissions (2):

PreventionGenetics, part of Exact Sciences
Classification: Likely benign for GUSB-related condition. Last evaluated: 2025-09-29. Review status: criteria provided, single submitter. Criteria: ACMG Guidelines, 2015. Collection method: clinical testing. Allele origin: germline.
Comment: This variant is classified as likely benign based on ACMG/AMP sequence variant interpretation guidelines (Richards et al. 2015 PMID: 25741868, with internal and published modifications).

Labcorp Genetics (formerly Invitae), Labcorp
Classification: Likely benign for Mucopolysaccharidosis type 7. Last evaluated: 2025-09-24. Review status: criteria provided, single submitter. Criteria: Invitae Variant Classification Sherloc (09022015). Collection method: clinical testing. Allele origin: germline.

NM_000181.4(GUSB):c.933G>A (p.Thr311=)

Gene: GUSB (glucuronidase beta; minus strand). Cytogenetic location: 7q11.21.
Variant type: single nucleotide variant.
Coding change: c.933G>A on transcript NM_000181.4 (MANE Select); coding-DNA position 933, G replaced by A.
Protein change: p.Thr311=; no amino-acid change (threonine 311 retained).
Molecular consequence: synonymous variant. On other transcripts: non-coding transcript variant (1).
Genome position (GRCh38, 1-based): chr7:65,975,051, C>T on the plus strand (G>A on the coding strand, the complement: GUSB is on the minus strand). VCF-style: chr7-65975051-C-T. GRCh37 (hg19) VCF-style: chr7-65440038-C-T.
Other names: c.933G>A (NM_000181.3); c.495G>A, p.Thr165= (NM_001284290.2); c.363G>A, p.Thr121= (NM_001293104.2); c.276G>A, p.Thr92= (NM_001293105.2).
Identifiers: ClinVar variation 1138618 (VCV001138618.10), dbSNP rs188921177, ClinGen allele CA4276439.